The following is an entry in ClinVar:

ClinVar aggregate classification (germline): Uncertain significance. Review status: criteria provided, multiple submitters, no conflicts (2 of 4 stars). 2 submissions from 2 submitters: Uncertain significance (2). Last evaluated 2023-09-15.

Conditions:
Hereditary cancer-predisposing syndrome. Also called: Tumor predisposition; Hereditary neoplastic syndrome; Neoplastic Syndromes, Hereditary; Hereditary Cancer Syndrome. Identifiers: Orphanet 140162, MedGen C0027672, MeSH D009386, MONDO:0015356.
Multiple endocrine neoplasia, type 1 (MEN1). Also called: MEN I; WERMER SYNDROME; Endocrine adenomatosis multiple; MEN 1; MEA I. Identifiers: Orphanet 652, MedGen C0025267, MeSH D018761, MONDO:0007540, OMIM 131100.

Submissions (2):

Ambry Genetics
Classification: Uncertain significance for Hereditary cancer-predisposing syndrome. Last evaluated: 2023-09-15. Review status: criteria provided, single submitter. Criteria: Ambry Variant Classification Scheme 2023. Collection method: clinical testing. Allele origin: germline.
Comment: The p.P546S variant (also known as c.1636C>T), located in coding exon 9 of the MEN1 gene, results from a C to T substitution at nucleotide position 1636. The proline at codon 546 is replaced by serine, an amino acid with similar properties. This amino acid position is conserved. In addition, the in silico prediction for this alteration is inconclusive. Since supporting evidence is limited at this time, the clinical significance of this alteration remains unclear.

Labcorp Genetics (formerly Invitae), Labcorp
Classification: Uncertain significance for Multiple endocrine neoplasia, type 1. Last evaluated: 2022-10-06. Review status: criteria provided, single submitter. Criteria: Invitae Variant Classification Sherloc (09022015). Collection method: clinical testing. Allele origin: germline.
Comment: Algorithms developed to predict the effect of missense changes on protein structure and function (SIFT, PolyPhen-2, Align-GVGD) all suggest that this variant is likely to be tolerated. In summary, the available evidence is currently insufficient to determine the role of this variant in disease. Therefore, it has been classified as a Variant of Uncertain Significance. ClinVar contains an entry for this variant (Variation ID: 1382713). This variant has not been reported in the literature in individuals affected with MEN1-related conditions. This variant is not present in population databases (gnomAD no frequency). This sequence change replaces proline, which is neutral and non-polar, with serine, which is neutral and polar, at codon 546 of the MEN1 protein (p.Pro546Ser).

NM_001370259.2(MEN1):c.1636C>T (p.Pro546Ser)

Gene: MEN1 (menin 1; minus strand). Cytogenetic location: 11q13.1.
Variant type: single nucleotide variant.
Coding change: c.1636C>T on transcript NM_001370259.2 (MANE Select); coding-DNA position 1636, C replaced by T.
Protein change: p.Pro546Ser; replaces proline 546 with serine.
Molecular consequence: missense variant.
Genome position (GRCh38, 1-based): chr11:64,804,531, G>A on the plus strand (C>T on the coding strand, the complement: MEN1 is on the minus strand). VCF-style: chr11-64804531-G-A. GRCh37 (hg19) VCF-style: chr11-64572003-G-A.
Other names: c.1636C>T (NM_130799.2); c.1651C>T, p.Pro551Ser (NM_130803.3, NM_130804.3, NM_000244.4 and 3 more transcripts); c.1762C>T, p.Pro588Ser (NM_001370251.2); c.1636C>T, p.Pro546Ser (NM_001370260.2, NM_001370261.2, NM_130799.3); c.1531C>T, p.Pro511Ser (NM_001370262.2, NM_001370263.2); short protein forms P551S, P511S, P546S, P588S.
Identifiers: ClinVar variation 1382713 (VCV001382713.7), dbSNP rs2136082158, ClinGen allele CA381177965.
Genomic context (GRCh38, chr11:64,804,531, plus strand): 5'-CCAGCAGCTCCTTCATGCCCTTCATCTTCTCACTCTGGAAAGTGAGCACTGGACCCTCCG[G>A]CGGTGGTGATGCTGTGGGTGCTGGCACCTGAGCCGTGCTGCCACCTTCAGGGCCTCGGGC-3'
Protein context (NP_001357188.2, residues 536-556): QVPAPTASPP[Pro546Ser]EGPVLTFQSE